The following is an entry in ClinVar:

ClinVar aggregate classification (germline): Uncertain significance (1 of 4 stars; one submission).

Conditions:
Duchenne muscular dystrophy (DMD). Also called: MUSCULAR DYSTROPHY, PSEUDOHYPERTROPHIC PROGRESSIVE, DUCHENNE TYPE; Duchenne Muscular Dystrophy (DMD). Identifiers: Orphanet 98896, MedGen C0013264, MONDO:0010679, OMIM 310200.

Submission:

Labcorp Genetics (formerly Invitae), Labcorp
Classification: Uncertain significance for Duchenne muscular dystrophy. Last evaluated: 2022-07-14. Review status: criteria provided, single submitter. Criteria: Invitae Variant Classification Sherloc (09022015). Collection method: clinical testing. Allele origin: germline.
Comment: This sequence change replaces leucine, which is neutral and non-polar, with valine, which is neutral and non-polar, at codon 400 of the DMD protein (p.Leu400Val). This variant is not present in population databases (gnomAD no frequency). This variant has not been reported in the literature in individuals affected with DMD-related conditions. Algorithms developed to predict the effect of missense changes on protein structure and function (SIFT, PolyPhen-2, Align-GVGD) all suggest that this variant is likely to be disruptive. In summary, the available evidence is currently insufficient to determine the role of this variant in disease. Therefore, it has been classified as a Variant of Uncertain Significance.

NM_004006.3(DMD):c.1198C>G (p.Leu400Val)

Gene: DMD (dystrophin; minus strand). Cytogenetic location: Xp21.1.
Variant type: single nucleotide variant.
Coding change: c.1198C>G on transcript NM_004006.3 (MANE Select); coding-DNA position 1198, C replaced by G.
Protein change: p.Leu400Val; replaces leucine 400 with valine.
Molecular consequence: missense variant.
Genome position (GRCh38, 1-based): chrX:32,644,265, G>C on the plus strand (C>G on the coding strand, the complement: DMD is on the minus strand). VCF-style: chrX-32644265-G-C. GRCh37 (hg19) VCF-style: chrX-32662382-G-C.
Other names: c.1174C>G, p.Leu392Val (NM_000109.4); c.1186C>G, p.Leu396Val (NM_004009.3); c.829C>G, p.Leu277Val (NM_004010.3); short protein forms L277V, L392V, L396V, L400V.
Identifiers: ClinVar variation 2016856 (VCV002016856.4), dbSNP rs2519635548, ClinGen allele CA412661306.